The following is an entry in ClinVar:

ClinVar aggregate classification (germline): Uncertain significance (1 of 4 stars; one submission).

gnomAD v4.1: 1 of 1,614,026 alleles (0.000062%); highest among the groups gnomAD compares: Non-Finnish European, 0.000085%; no homozygotes.

Submission:

GeneDx
Classification: Uncertain significance. Last evaluated: 2024-11-26. Review status: criteria provided, single submitter. Criteria: GeneDx Variant Classification Process June 2021. Collection method: clinical testing. Allele origin: germline. Affected: yes.
Comment: Not observed at significant frequency in large population cohorts (gnomAD); In silico analysis supports that this missense variant has a deleterious effect on protein structure/function; Has not been previously published as pathogenic or benign to our knowledge

NM_006662.3(SRCAP):c.2308C>T (p.Arg770Cys)

Gene: SRCAP (Snf2 related CREBBP activator protein; plus strand). Cytogenetic location: 16p11.2.
Variant type: single nucleotide variant.
Coding change: c.2308C>T on transcript NM_006662.3 (MANE Select); coding-DNA position 2308, C replaced by T.
Protein change: p.Arg770Cys; replaces arginine 770 with cysteine.
Molecular consequence: missense variant.
Genome position (GRCh38, 1-based): chr16:30,713,526, C>T. VCF-style: chr16-30713526-C-T. GRCh37 (hg19) VCF-style: chr16-30724847-C-T.
Other names: short protein forms R770C.
Identifiers: ClinVar variation 3900857 (VCV003900857.1).